The following is an entry in ClinVar:

NM_004281.4(BAG3):c.114C>T (p.Phe38=)

Gene: BAG3 (BAG cochaperone 3; plus strand). Cytogenetic location: 10q26.11.
Variant type: single nucleotide variant.
Coding change: c.114C>T on transcript NM_004281.4 (MANE Select); coding-DNA position 114, C replaced by T.
Protein change: p.Phe38=; no amino-acid change (phenylalanine 38 retained).
Molecular consequence: synonymous variant.
Genome position (GRCh38, 1-based): chr10:119,651,789, C>T. VCF-style: chr10-119651789-C-T. GRCh37 (hg19) VCF-style: chr10-121411301-C-T.
Identifiers: ClinVar variation 179530 (VCV000179530.6), dbSNP rs727504929, ClinGen allele CA184612.

ClinVar aggregate classification (germline): Likely benign. Review status: criteria provided, multiple submitters, no conflicts (2 of 4 stars). 2 submissions from 2 submitters: Likely benign (2). Last evaluated 2024-11-19.

Conditions:
Myofibrillar myopathy 6. Identifiers: Orphanet 199340, MedGen C2751831, MONDO:0013061, OMIM 612954.
Dilated cardiomyopathy 1HH (CMD1HH). Identifiers: Orphanet 154, MedGen C3151293, MONDO:0013479, OMIM 613881.

Allele frequency attached by ClinVar (database versions not stated): gnomAD 0.00002; TOPMed 0.00002.

Submissions (2):

Labcorp Genetics (formerly Invitae), Labcorp
Classification: Likely benign for Dilated cardiomyopathy 1HH; Myofibrillar myopathy 6. Last evaluated: 2024-11-19. Review status: criteria provided, single submitter. Criteria: Invitae Variant Classification Sherloc (09022015). Collection method: clinical testing. Allele origin: germline.

Laboratory for Molecular Medicine, Mass General Brigham Personalized Medicine
Classification: Likely benign. Last evaluated: 2014-01-21. Review status: criteria provided, single submitter. Criteria: LMM Criteria. Collection method: clinical testing. Allele origin: germline. Observed: 1 variant allele.
Comment: Phe38Phe in exon 1 of BAG3: This variant is not expected to have clinical signif icance because it is not located within the splice consensus sequence. Phe38Phe in exon 1 of BAG3 (allele frequency = n/a)